The following is an entry in ClinVar:

ClinVar aggregate classification (germline): Uncertain significance (1 of 4 stars; one submission).

Allele frequency attached by ClinVar (database versions not stated): gnomAD exomes below 0.00001.
gnomAD v4.1: 6 of 1,608,884 alleles (0.00037%); highest among the groups gnomAD compares: Non-Finnish European, 0.00051%; no homozygotes.

Submission:

Labcorp Genetics (formerly Invitae), Labcorp
Classification: Uncertain significance. Last evaluated: 2022-10-04. Review status: criteria provided, single submitter. Criteria: Invitae Variant Classification Sherloc (09022015). Collection method: clinical testing. Allele origin: germline.
Comment: In summary, the available evidence is currently insufficient to determine the role of this variant in disease. Therefore, it has been classified as a Variant of Uncertain Significance. Algorithms developed to predict the effect of sequence changes on RNA splicing suggest that this variant may create or strengthen a splice site. Algorithms developed to predict the effect of missense changes on protein structure and function are either unavailable or do not agree on the potential impact of this missense change (SIFT: "Tolerated"; PolyPhen-2: "Probably Damaging"; Align-GVGD: "Class C0"). ClinVar contains an entry for this variant (Variation ID: 1058798). This variant has not been reported in the literature in individuals affected with WHRN-related conditions. This variant is not present in population databases (gnomAD no frequency). This sequence change replaces leucine, which is neutral and non-polar, with valine, which is neutral and non-polar, at codon 104 of the WHRN protein (p.Leu104Val).

NM_015404.4(WHRN):c.310C>G (p.Leu104Val)

Gene: WHRN (whirlin; minus strand). Cytogenetic location: 9q32.
Variant type: single nucleotide variant.
Coding change: c.310C>G on transcript NM_015404.4 (MANE Select); coding-DNA position 310, C replaced by G.
Protein change: p.Leu104Val; replaces leucine 104 with valine.
Molecular consequence: missense variant.
Genome position (GRCh38, 1-based): chr9:114,504,492, G>C on the plus strand (C>G on the coding strand, the complement: WHRN is on the minus strand). VCF-style: chr9-114504492-G-C. GRCh37 (hg19) VCF-style: chr9-117266772-G-C.
Other names: c.310C>G, p.Leu104Val (NM_001173425.2); short protein forms L104V.
Identifiers: ClinVar variation 1058798 (VCV001058798.7), dbSNP rs2133478444, ClinGen allele CA374613018.
Genomic context (GRCh38, chr9:114,504,492, plus strand): 5'-GCCTGTAGGGGGTGGTGGCGGGCAGGTAGAGGCCCTCGGCCGTGTATTGGTCGAAGAGCA[G>C]CTGGTCGGAGCGCGGGATGACCAGACGAAGCATGGGCAGCAGGCGCCGCTTGACCGGACT-3'
Protein context (NP_056219.3, residues 94-114): LRLVIPRSDQ[Leu104Val]LFDQYTAEGL